The following is an entry in ClinVar:

NM_000533.5(PLP1):c.109C>G (p.His37Asp)

Genes: PLP1 (proteolipid protein 1; plus strand), RAB9B (RAB9B, member RAS oncogene family; minus strand). Cytogenetic location: Xq22.2.
Variant type: single nucleotide variant.
Coding change: c.109C>G on transcript NM_000533.5 (MANE Select); coding-DNA position 109, C replaced by G.
Protein change: p.His37Asp; replaces histidine 37 with aspartic acid.
Molecular consequence: missense variant. On other transcripts: intron variant (1).
Genome position (GRCh38, 1-based): chrX:103,785,686, C>G. VCF-style: chrX-103785686-C-G. GRCh37 (hg19) VCF-style: chrX-103040615-C-G.
Other names: c.109C>G, p.His37Asp (NM_001128834.3, NM_199478.3); c.5-61C>G (NM_001305004.1); short protein forms H37D.
Identifiers: ClinVar variation 5019894 (VCV005019894.2).

ClinVar aggregate classification (germline): Uncertain significance (1 of 4 stars; one submission).

Conditions:
Pelizaeus-Merzbacher disease. Also called: Sudanophilic leukodystrophy; Pelizaeus-Merzbacher spectrum disorder; Pelizaeus-Merzbacher Disease (PMD); LEUKODYSTROPHY, HYPOMYELINATING, 1; Pelizeaus-Merzbacher spectrum disorder. Identifiers: Orphanet 702, MedGen C0205711, MONDO:0010714, OMIM 312080, HP:0003269.
Hereditary spastic paraplegia 2 (SPG2). Also called: Spastic Paraplegia 2 (SPG2); SPASTIC PARAPLEGIA 2, X-LINKED. Identifiers: Orphanet 99015, MedGen C0751604, MONDO:0010733, OMIM 312920.

Submission:

Juno Genomics, Hangzhou Juno Genomics, Inc
Classification: Uncertain significance for Pelizaeus-Merzbacher disease; Hereditary spastic paraplegia 2. Review status: criteria provided, single submitter. Criteria: ACMG Guidelines, 2015. Collection method: clinical testing. Allele origin: germline.
Comment: Absent from controls (or at extremely low frequency if recessive) in Genome Aggregation Database.;Multiple lines of computational evidence support a deleterious effect on the gene or gene product.